The following is an entry in ClinVar:

NM_031407.7(HUWE1):c.1046G>C (p.Cys349Ser)

Gene: HUWE1 (HECT, UBA and WWE domain containing E3 ubiquitin protein ligase 1; minus strand). Cytogenetic location: Xp11.22.
Variant type: single nucleotide variant.
Coding change: c.1046G>C on transcript NM_031407.7 (MANE Select); coding-DNA position 1046, G replaced by C.
Protein change: p.Cys349Ser; replaces cysteine 349 with serine.
Molecular consequence: missense variant.
Genome position (GRCh38, 1-based): chrX:53,628,820, C>G on the plus strand (G>C on the coding strand, the complement: HUWE1 is on the minus strand). VCF-style: chrX-53628820-C-G. GRCh37 (hg19) VCF-style: chrX-53655771-C-G.
Other names: short protein forms C349S.
Identifiers: ClinVar variation 3346983 (VCV003346983.1).

ClinVar aggregate classification (germline): Uncertain significance (0 of 4 stars; one submission).

Conditions:
HUWE1-related disorder. Also called: HUWE1-related condition.

gnomAD v4.1: 7 of 1,207,094 alleles (0.00058%); highest among the groups gnomAD compares: East Asian, 0.021%; no homozygotes.

Submission:

PreventionGenetics, part of Exact Sciences
Classification: Uncertain significance for HUWE1-related condition. Last evaluated: 2024-05-31. Review status: no assertion criteria provided. Collection method: clinical testing. Allele origin: germline.
Comment: The HUWE1 c.1046G>C variant is predicted to result in the amino acid substitution p.Cys349Ser. To our knowledge, this variant has not been reported in the literature. This variant is reported in 0.022% of alleles in individuals of East Asian descent in gnomAD, including one hemizygous individual. At this time, the clinical significance of this variant is uncertain due to the absence of conclusive functional and genetic evidence.